The following is an entry in ClinVar:

NM_017934.7(PHIP):c.2926G>T (p.Glu976Ter)

Genes: IRAK1BP1 (interleukin 1 receptor associated kinase 1 binding protein 1; plus strand), PHIP (PHIP subunit of CUL4-Ring ligase complex; minus strand). Cytogenetic location: 6q14.1.
Variant type: single nucleotide variant.
Coding change: c.2926G>T on transcript NM_017934.7 (MANE Select); coding-DNA position 2926, G replaced by T.
Protein change: p.Glu976Ter; replaces glutamic acid 976 with a stop codon.
Molecular consequence: nonsense.
Genome position (GRCh38, 1-based): chr6:78,970,852, C>A on the plus strand (G>T on the coding strand, the complement: PHIP is on the minus strand). VCF-style: chr6-78970852-C-A. GRCh37 (hg19) VCF-style: chr6-79680569-C-A.
Other names: short protein forms E976*.
Identifiers: ClinVar variation 4733257 (VCV004733257.1).
Genomic context (GRCh38, chr6:78,970,852, plus strand): 5'-TTTTATGCCATGGTTGTTTTTTGGGATTGATACTATATATTTTATTTTTCCGGGCCATTT[C>A]GACATAGGCTTCATGTCCTTGTCGGAAATAATAAACCTAAAAAATAAAGTCATAATCTTA-3'

ClinVar aggregate classification (germline): Pathogenic (1 of 4 stars; one submission).

Submission:

Labcorp Genetics (formerly Invitae), Labcorp
Classification: Pathogenic. Last evaluated: 2025-12-15. Review status: criteria provided, single submitter. Criteria: Invitae Variant Classification Sherloc (09022015). Collection method: clinical testing. Allele origin: germline.
Comment: This sequence change creates a premature translational stop signal (p.Glu976*) in the PHIP gene. It is expected to result in an absent or disrupted protein product. Loss-of-function variants in PHIP are known to be pathogenic (PMID: 27900362). This variant is not present in population databases (gnomAD no frequency). This variant has not been reported in the literature in individuals affected with PHIP-related conditions. For these reasons, this variant has been classified as Pathogenic.

Literature cited by the submitters: PubMed 27900362.